The following is an entry in ClinVar:

NM_018975.4(TERF2IP):c.832A>G (p.Thr278Ala)

Gene: TERF2IP (TERF2 interacting protein; plus strand). Cytogenetic location: 16q23.1.
Variant type: single nucleotide variant.
Coding change: c.832A>G on transcript NM_018975.4 (MANE Select); coding-DNA position 832, A replaced by G.
Protein change: p.Thr278Ala; replaces threonine 278 with alanine.
Molecular consequence: missense variant. On other transcripts: non-coding transcript variant (1).
Genome position (GRCh38, 1-based): chr16:75,656,243, A>G. VCF-style: chr16-75656243-A-G. GRCh37 (hg19) VCF-style: chr16-75690141-A-G.
Other names: short protein forms T278A.
Identifiers: ClinVar variation 3227205 (VCV003227205.1), dbSNP rs2507089197, ClinGen allele CA396819678.

ClinVar aggregate classification (germline): Uncertain significance (1 of 4 stars; one submission).

Submission:

Ambry Genetics
Classification: Uncertain significance. Last evaluated: 2023-11-03. Review status: criteria provided, single submitter. Criteria: Ambry Variant Classification Scheme 2023. Collection method: clinical testing. Allele origin: germline.
Comment: The p.T278A variant (also known as c.832A>G), located in coding exon 3 of the TERF2IP gene, results from an A to G substitution at nucleotide position 832. The threonine at codon 278 is replaced by alanine, an amino acid with similar properties. This amino acid position is conserved. In addition, this alteration is predicted to be tolerated by in silico analysis. Since supporting evidence is limited at this time, the clinical significance of this alteration remains unclear.